The following is an entry in ClinVar:

ClinVar aggregate classification (germline): Uncertain significance (1 of 4 stars; one submission).

Conditions:
Familial thoracic aortic aneurysm and aortic dissection (TAAD). Also called: Thoracic aortic aneurysms and dissections. Identifiers: Orphanet 91387, MedGen C4707243, MONDO:0019625.

Submission:

Color Diagnostics, LLC DBA Color Health
Classification: Uncertain significance for Familial thoracic aortic aneurysm and aortic dissection. Last evaluated: 2023-12-05. Review status: criteria provided, single submitter. Criteria: ACMG Guidelines, 2015. Collection method: clinical testing. Allele origin: germline.
Comment: This missense variant replaces glycine with serine at codon 1726 of the FBN1 protein. Computational prediction tools and conservation analyses suggest that this variant may have deleterious impact on the protein function. Computational splicing tools suggest that this variant may not impact RNA splicing. To our knowledge, functional assays have not been performed for this variant nor has this variant been reported in individuals affected with cardiovascular disorders in the literature. This variant has not been identified in the general population by the Genome Aggregation Database (gnomAD). Available evidence is insufficient to determine the role of this variant in disease conclusively. Therefore, this variant is classified as a Variant of Uncertain Significance.

NM_000138.5(FBN1):c.5176G>A (p.Gly1726Ser)

Gene: FBN1 (fibrillin 1; minus strand). Cytogenetic location: 15q21.1.
Variant type: single nucleotide variant.
Coding change: c.5176G>A on transcript NM_000138.5 (MANE Select); coding-DNA position 5176, G replaced by A.
Protein change: p.Gly1726Ser; replaces glycine 1726 with serine.
Molecular consequence: missense variant.
Genome position (GRCh38, 1-based): chr15:48,463,130, C>T on the plus strand (G>A on the coding strand, the complement: FBN1 is on the minus strand). VCF-style: chr15-48463130-C-T. GRCh37 (hg19) VCF-style: chr15-48755327-C-T.
Other names: short protein forms G1726S.
Identifiers: ClinVar variation 920294 (VCV000920294.5), dbSNP rs2043292422, ClinGen allele CA392349131.